The following is an entry in ClinVar:

ClinVar aggregate classification (germline): Uncertain significance (1 of 4 stars; one submission).

Conditions:
Epidermolysis bullosa simplex with nail dystrophy (EBS5D). Identifiers: MedGen C4225309, MONDO:0014661, OMIM 616487.
Epidermolysis bullosa simplex, Ogna type (EBS5A). Also called: Pidermolysis bullosa simplex 5A, Ogna type; EPIDERMOLYSIS BULLOSA SIMPLEX 5A, OGNA TYPE. Identifiers: Orphanet 79401, MedGen C0432317, MONDO:0007555, OMIM 131950.
Epidermolysis bullosa simplex 5B, with muscular dystrophy (EBS5B). Also called: Epidermolysis bullosa simplex with muscular dystrophy; EPIDERMOLYSIS BULLOSA SIMPLEX AND LIMB-GIRDLE MUSCULAR DYSTROPHY. Identifiers: Orphanet 257, MedGen C2931072, MONDO:0009181, OMIM 226670.
Autosomal recessive limb-girdle muscular dystrophy type 2Q (LGMDR17). Also called: MUSCULAR DYSTROPHY, LIMB-GIRDLE, AUTOSOMAL RECESSIVE 17. Identifiers: Orphanet 254361, MedGen C3150989, MONDO:0013390, OMIM 613723.
Epidermolysis bullosa simplex 5C, with pyloric atresia (EBS5C). Also called: PLEC-Related Epidermolysis Bullosa with Pyloric Atresia; Epidermolysis bullosa simplex with pyloric atresia; PLEC1-Related Epidermolysis Bullosa with Pyloric Atresia. Identifiers: Orphanet 158684, MedGen C2677349, MONDO:0012807, OMIM 612138.

Submission:

Labcorp Genetics (formerly Invitae), Labcorp
Classification: Uncertain significance for Autosomal recessive limb-girdle muscular dystrophy type 2Q; Epidermolysis bullosa simplex, Ogna type; Epidermolysis bullosa simplex with nail dystrophy; Epidermolysis bullosa simplex 5C, with pyloric atresia; Epidermolysis bullosa simplex 5B, with muscular dystrophy. Last evaluated: 2025-07-09. Review status: criteria provided, single submitter. Criteria: Invitae Variant Classification Sherloc (09022015). Collection method: clinical testing. Allele origin: germline.
Comment: This sequence change replaces tryptophan, which is neutral and slightly polar, with serine, which is neutral and polar, at codon 558 of the PLEC protein (p.Trp558Ser). This variant is not present in population databases (gnomAD no frequency). This variant has not been reported in the literature in individuals affected with PLEC-related conditions. Invitae Evidence Modeling of protein sequence and biophysical properties (such as structural, functional, and spatial information, amino acid conservation, physicochemical variation, residue mobility, and thermodynamic stability) indicates that this missense variant is not expected to disrupt PLEC protein function with a negative predictive value of 80%. In summary, the available evidence is currently insufficient to determine the role of this variant in disease. Therefore, it has been classified as a Variant of Uncertain Significance.

NM_201384.3(PLEC):c.1592G>C (p.Trp531Ser)

Gene: PLEC (plectin; minus strand). Cytogenetic location: 8q24.3.
Variant type: single nucleotide variant.
Coding change: c.1592G>C on transcript NM_201384.3 (MANE Select); coding-DNA position 1592, G replaced by C.
Protein change: p.Trp531Ser; replaces tryptophan 531 with serine.
Molecular consequence: missense variant.
Genome position (GRCh38, 1-based): chr8:143,932,938, C>G on the plus strand (G>C on the coding strand, the complement: PLEC is on the minus strand). VCF-style: chr8-143932938-C-G. GRCh37 (hg19) VCF-style: chr8-145007106-C-G.
Other names: c.1673G>C, p.Trp558Ser (NM_000445.5, NM_001410941.1); c.1550G>C, p.Trp517Ser (NM_201378.4); c.1526G>C, p.Trp509Ser (NM_201379.3); c.2003G>C, p.Trp668Ser (NM_201380.4); c.1496G>C, p.Trp499Ser (NM_201381.3); c.1592G>C, p.Trp531Ser (NM_201382.4); c.1604G>C, p.Trp535Ser (NM_201383.3); short protein forms W531S, W558S, W509S, W535S, W668S, W517S, W499S.
Identifiers: ClinVar variation 4783315 (VCV004783315.1).
Genomic context (GRCh38, chr8:143,932,938, plus strand): 5'-ACGCTGGGCAGGTCCACACCCCACTCAGCGCCATCCACACGGTGCTGGTTCTCCTCCACC[C>G]AGGCCAGCAGGTCCTGCAGGTAGCGCAGAGTGGAGTCCTCCAGCTCGGGGCGCCTCTGCA-3'
Protein context (NP_958786.1, residues 521-541): TLRYLQDLLA[Trp531Ser]VEENQHRVDG